The following is an entry in ClinVar:

ClinVar aggregate classification (germline): Uncertain significance (1 of 4 stars; one submission).

Conditions:
Developmental delay, impaired speech, and behavioral abnormalities. Identifiers: MedGen C5561957, MONDO:0859178, OMIM 619475.

Submission:

Dasa
Classification: Uncertain significance for developmental delay, impaired speech, and behavioral abnormalities. Last evaluated: 2025-12-28. Review status: criteria provided, single submitter. Criteria: DASA Assertion Criteria. Collection method: clinical testing. Allele origin: germline.
Comment: NM_003128.3(SPTBN1):c.6725C>A (p.Thr2242Asn) is a missense variant that results in the substitution of threonine with asparagine. This variant is rare in population databases. Computational prediction algorithms are consistent with a benign effect. The currently available literature and clinical evidence are not sufficient to establish a definitive association between this variant and the reported condition. Therefore, this variant is classified as a variant of uncertain significance.

NM_003128.3(SPTBN1):c.6725C>A (p.Thr2242Asn)

Genes: SPTBN1 (spectrin beta, non-erythrocytic 1; plus strand), SPTBN1-AS2 (SPTBN1 antisense RNA 2; minus strand). Cytogenetic location: 2p16.2.
Variant type: single nucleotide variant.
Coding change: c.6725C>A on transcript NM_003128.3 (MANE Select); coding-DNA position 6725, C replaced by A.
Protein change: p.Thr2242Asn; replaces threonine 2242 with asparagine.
Molecular consequence: missense variant.
Genome position (GRCh38, 1-based): chr2:54,665,980, C>A. VCF-style: chr2-54665980-C-A. GRCh37 (hg19) VCF-style: chr2-54893117-C-A.
Other names: short protein forms T2242N.
Identifiers: ClinVar variation 4882061 (VCV004882061.2).
Genomic context (GRCh38, chr2:54,665,980, plus strand): 5'-GGCACAATGTTTATTGTGTCATAAATAACCAAGAAATGGGTTTCTACAAAGATGCAAAGA[C>A]TGCTGCTTCTGGAATTCCCTACCACAGCGAGGTCCCTGTGAGTTTGAAAGAAGCTGTCTG-3'
Protein context (NP_003119.2, residues 2232-2252): QEMGFYKDAK[Thr2242Asn]AASGIPYHSE